The following is an entry in ClinVar:

NM_000062.3(SERPING1):c.1460A>G (p.Lys487Arg)

Gene: SERPING1 (serpin family G member 1; plus strand). Cytogenetic location: 11q12.1.
Variant type: single nucleotide variant.
Coding change: c.1460A>G on transcript NM_000062.3 (MANE Select); coding-DNA position 1460, A replaced by G.
Protein change: p.Lys487Arg; replaces lysine 487 with arginine.
Molecular consequence: missense variant.
Genome position (GRCh38, 1-based): chr11:57,614,538, A>G. VCF-style: chr11-57614538-A-G. GRCh37 (hg19) VCF-style: chr11-57382011-A-G.
Other names: c.1460A>G, p.Lys487Arg (NM_001032295.2); short protein forms K487R.
Identifiers: ClinVar variation 3675776 (VCV003675776.2).

ClinVar aggregate classification (germline): Uncertain significance (1 of 4 stars; one submission).

gnomAD v4.1: 2 of 1,613,924 alleles (0.00012%); highest among the groups gnomAD compares: Admixed American, 0.0017%; no homozygotes.

Submission:

Labcorp Genetics (formerly Invitae), Labcorp
Classification: Uncertain significance. Last evaluated: 2024-09-29. Review status: criteria provided, single submitter. Criteria: Invitae Variant Classification Sherloc (09022015). Collection method: clinical testing. Allele origin: germline.
Comment: This sequence change replaces lysine, which is basic and polar, with arginine, which is basic and polar, at codon 487 of the SERPING1 protein (p.Lys487Arg). This variant is not present in population databases (gnomAD no frequency). This variant has not been reported in the literature in individuals affected with SERPING1-related conditions. Invitae Evidence Modeling of protein sequence and biophysical properties (such as structural, functional, and spatial information, amino acid conservation, physicochemical variation, residue mobility, and thermodynamic stability) indicates that this missense variant is not expected to disrupt SERPING1 protein function with a negative predictive value of 80%. Algorithms developed to predict the effect of sequence changes on RNA splicing suggest that this variant may create or strengthen a splice site. In summary, the available evidence is currently insufficient to determine the role of this variant in disease. Therefore, it has been classified as a Variant of Uncertain Significance.